The following is an entry in ClinVar:

NM_003560.4(PLA2G6):c.87G>A (p.Val29=)

Gene: PLA2G6 (phospholipase A2 group VI; minus strand). Cytogenetic location: 22q13.1.
Variant type: single nucleotide variant.
Coding change: c.87G>A on transcript NM_003560.4 (MANE Select); coding-DNA position 87, G replaced by A.
Protein change: p.Val29=; no amino-acid change (valine 29 retained).
Molecular consequence: synonymous variant. On other transcripts: 5 prime UTR variant (3).
Genome position (GRCh38, 1-based): chr22:38,169,340, C>T on the plus strand (G>A on the coding strand, the complement: PLA2G6 is on the minus strand). VCF-style: chr22-38169340-C-T. GRCh37 (hg19) VCF-style: chr22-38565347-C-T.
Other names: p.Val29=; c.87G>A, p.Val29= (NM_001004426.3, NM_001199562.3, NM_001349864.2 and 2 more transcripts); c.-579G>A (NM_001349867.2, NM_001349869.2); c.-404G>A (NM_001349868.2).
Identifiers: ClinVar variation 159781 (VCV000159781.26), dbSNP rs2267369, ClinGen allele CA173295.
Genomic context (GRCh38, chr22:38,169,340, plus strand): 5'-GTTCTGGAACAGAATCAGCTGCCCTTCCTCCCGAACTCGGTCACTCGAGGTGTAGTCGGC[C>T]ACAGCCACCTCCTTCACCCGGAATGGGTTAGAGAACAAGTTGGTGACGCCACTGAAGGTA-3'
Protein context (NP_003551.2, residues 19-39): SNPFRVKEVA[Val29=]ADYTSSDRVR

ClinVar aggregate classification (germline): Benign. Review status: criteria provided, multiple submitters, no conflicts (2 of 4 stars). 9 submissions from 9 submitters: Benign (6). 3 of the submissions do not count toward it. Last evaluated 2026-02-04.

Conditions:
PLA2G6-associated neurodegeneration (PLAN). Also called: phospholipase A2-associated neurodegeneration. Identifiers: Orphanet 329303, MedGen CN204472, MONDO:0017998.
Infantile neuroaxonal dystrophy (NBIA2A). Also called: SEITELBERGER DISEASE; Infantile neuroaxonal dystrophy 1; NEURODEGENERATION WITH BRAIN IRON ACCUMULATION 2A. Identifiers: Orphanet 35069, MedGen C0270724, MONDO:0024457, OMIM 256600.

Allele frequency attached by ClinVar (database versions not stated): ESP Exome Variant Server 0.07327; gnomAD exomes 0.04065 and 0.02725; gnomAD 0.07020 and 0.07176; 1000 Genomes Project 0.09744; TOPMed 0.07596; ExAC 0.04393; 1000 Genomes Project 30x 0.10025.

Submissions (9):

Labcorp Genetics (formerly Invitae), Labcorp
Classification: Benign for Infantile neuroaxonal dystrophy. Last evaluated: 2026-02-04. Review status: criteria provided, single submitter. Criteria: Invitae Variant Classification Sherloc (09022015). Collection method: clinical testing. Allele origin: germline.

GeneDx
Classification: Benign. Last evaluated: 2018-07-05. Review status: criteria provided, single submitter. Criteria: GeneDx Variant Classification Process June 2021. Collection method: clinical testing. Allele origin: germline. Affected: yes.

Illumina Laboratory Services, Illumina
Classification: Benign for PLA2G6-associated neurodegeneration. Last evaluated: 2018-01-13. Review status: criteria provided, single submitter. Criteria: ICSL Variant Classification Criteria 13 December 2019. Collection method: clinical testing. Allele origin: germline.
Comment: This variant was observed in the ICSL laboratory as part of a predisposition screen in an ostensibly healthy population. It had not been previously curated by ICSL or reported in the Human Gene Mutation Database (HGMD: prior to June 1st, 2018), and was therefore a candidate for classification through an automated scoring system. Utilizing variant allele frequency, disease prevalence and penetrance estimates, and inheritance mode, an automated score was calculated to assess if this variant is too frequent to cause the disease. Based on the score and internal cut-off values, a variant classified as benign is not then subjected to further curation. The score for this variant resulted in a classification of benign for this disease.

Mayo Clinic Laboratories, Mayo Clinic
Classification: Benign. Last evaluated: 2017-08-24. Review status: criteria provided, single submitter. Criteria: ACMG Guidelines, 2015. Collection method: clinical testing. Allele origin: germline. Observed: 145 variant alleles.

Genetic Services Laboratory, University of Chicago
Classification: Benign. Last evaluated: 2013-08-15. Review status: criteria provided, single submitter. Criteria: ACMG Guidelines, 2007. Collection method: clinical testing. Allele origin: germline. Inheritance: Autosomal recessive inheritance.

Breakthrough Genomics
Classification: Benign. Review status: criteria provided, single submitter. Criteria: ACMG Guidelines, 2015. Collection method: not provided. Allele origin: germline. Inheritance: Autosomal recessive inheritance. Affected: yes.

Clinical Genetics DNA and cytogenetics Diagnostics Lab, Erasmus MC, Erasmus Medical Center
Classification: Benign. Review status: no assertion criteria provided. Collection method: clinical testing. Allele origin: germline. Affected: yes. Study: VKGL Data-share Consensus. Not counted in ClinVar's aggregate classification.

Clinical Genetics, Academic Medical Center
Classification: Benign. Review status: no assertion criteria provided. Collection method: clinical testing. Allele origin: germline. Affected: yes. Study: VKGL Data-share Consensus. Not counted in ClinVar's aggregate classification.

Genome Diagnostics Laboratory, Amsterdam University Medical Center
Classification: Benign. Review status: no assertion criteria provided. Collection method: clinical testing. Allele origin: germline. Affected: yes. Study: VKGL Data-share Consensus. Not counted in ClinVar's aggregate classification.